The following is an entry in ClinVar:

NM_058004.4(PI4KA):c.2369G>T (p.Arg790Leu)

Gene: PI4KA (phosphatidylinositol 4-kinase alpha; minus strand). Cytogenetic location: 22q11.21.
Variant type: single nucleotide variant.
Coding change: c.2369G>T on transcript NM_058004.4 (MANE Select); coding-DNA position 2369, G replaced by T.
Protein change: p.Arg790Leu; replaces arginine 790 with leucine.
Molecular consequence: missense variant.
Genome position (GRCh38, 1-based): chr22:20,765,653, C>A on the plus strand (G>T on the coding strand, the complement: PI4KA is on the minus strand). VCF-style: chr22-20765653-C-A. GRCh37 (hg19) VCF-style: chr22-21119941-C-A.
Other names: c.2369G>T, p.Arg790Leu (NM_001362862.2); c.2303G>T, p.Arg768Leu (NM_001362863.2); short protein forms R768L, R790L.
Identifiers: ClinVar variation 2135999 (VCV002135999.1), dbSNP rs2518160000, ClinGen allele CA410767558.

ClinVar aggregate classification (germline): Uncertain significance (1 of 4 stars; one submission).

Submission:

GeneDx
Classification: Uncertain significance. Last evaluated: 2023-01-13. Review status: criteria provided, single submitter. Criteria: GeneDx Variant Classification Process June 2021. Collection method: clinical testing. Allele origin: germline. Affected: yes.
Comment: Not observed in large population cohorts (gnomAD); In silico analysis supports that this missense variant has a deleterious effect on protein structure/function; Has not been previously published as pathogenic or benign to our knowledge